The following is an entry in ClinVar:

ClinVar aggregate classification (germline): Likely benign. Review status: criteria provided, multiple submitters, no conflicts (2 of 4 stars). 4 submissions from 4 submitters: Likely benign (3). 1 of the submissions does not count toward it. Last evaluated 2026-01-01.

Conditions:
QRSL1-related disorder. Also called: QRSL1-related condition.

Allele frequency attached by ClinVar (database versions not stated): 1000 Genomes Project 0.00040; 1000 Genomes Project 30x 0.00047; ESP Exome Variant Server 0.00108; gnomAD 0.00117 and 0.00125; TOPMed 0.00121; gnomAD exomes 0.00127 and 0.00137; ExAC 0.00147.

Submissions (4):

CeGaT Center for Human Genetics Tuebingen
Classification: Likely benign. Last evaluated: 2026-01-01. Review status: criteria provided, single submitter. Criteria: CeGaT Center For Human Genetics Tuebingen Variant Classification Criteria Version 2. Collection method: clinical testing. Allele origin: germline. Affected: yes. Observed: 3 variant alleles.
Comment: QRSL1: BP4, BS2

Labcorp Genetics (formerly Invitae), Labcorp
Classification: Likely benign. Last evaluated: 2025-12-01. Review status: criteria provided, single submitter. Criteria: Invitae Variant Classification Sherloc (09022015). Collection method: clinical testing. Allele origin: germline.

Blueprint Genetics
Classification: Likely benign. Last evaluated: 2024-11-18. Review status: criteria provided, single submitter. Criteria: ACMG Guidelines, 2015. Collection method: clinical testing. Allele origin: germline.

PreventionGenetics, part of Exact Sciences
Classification: Likely benign for QRSL1-related condition. Last evaluated: 2019-10-08. Review status: no assertion criteria provided. Collection method: clinical testing. Allele origin: germline. Not counted in ClinVar's aggregate classification.
Comment: This variant is classified as likely benign based on ACMG/AMP sequence variant interpretation guidelines (Richards et al. 2015 PMID: 25741868, with internal and published modifications).

NM_018292.5(QRSL1):c.1161A>C (p.Glu387Asp)

Gene: QRSL1 (glutaminyl-tRNA amidotransferase subunit QRSL1; plus strand). Cytogenetic location: 6q21.
Variant type: single nucleotide variant.
Coding change: c.1161A>C on transcript NM_018292.5 (MANE Select); coding-DNA position 1161, A replaced by C.
Protein change: p.Glu387Asp; replaces glutamic acid 387 with aspartic acid.
Molecular consequence: missense variant.
Genome position (GRCh38, 1-based): chr6:106,662,980, A>C. VCF-style: chr6-106662980-A-C. GRCh37 (hg19) VCF-style: chr6-107110855-A-C.
Other names: c.1161A>C (NM_018292.4); short protein forms E387D.
Identifiers: ClinVar variation 1546543 (VCV001546543.40), dbSNP rs150607276, ClinGen allele CA3944969.
Genomic context (GRCh38, chr6:106,662,980, plus strand): 5'-AATTGATTAAAAGAAAAATACAAAAAATCCTTAAAAACATCACCTACTTTTTTCCCACAG[A>C]AACTATGAAAATTATTTTGTCAAAGCACAGAAAGTGAGACGCCTCATTGCTAATGACTTT-3'
Protein context (NP_060762.3, residues 377-397): ILSGNFFLLK[Glu387Asp]NYENYFVKAQ